The following is an entry in ClinVar:

NM_000055.4(BCHE):c.382C>T (p.Pro128Ser)

Gene: BCHE (butyrylcholinesterase; minus strand). Cytogenetic location: 3q26.1.
Variant type: single nucleotide variant.
Coding change: c.382C>T on transcript NM_000055.4 (MANE Select); coding-DNA position 382, C replaced by T.
Protein change: p.Pro128Ser; replaces proline 128 with serine.
Molecular consequence: missense variant. On other transcripts: non-coding transcript variant (1).
Genome position (GRCh38, 1-based): chr3:165,830,652, G>A on the plus strand (C>T on the coding strand, the complement: BCHE is on the minus strand). VCF-style: chr3-165830652-G-A. GRCh37 (hg19) VCF-style: chr3-165548440-G-A.
Other names: short protein forms P128S.
Identifiers: ClinVar variation 552544 (VCV000552544.3), dbSNP rs3732880, ClinGen allele CA87410369.

ClinVar aggregate classification (germline): Pathogenic. Review status: criteria provided, single submitter (1 of 4 stars). 2 submissions from 2 submitters: Pathogenic (1). 1 of the submissions does not count toward it. Last evaluated 2025-06-12.

Conditions:
Deficiency of butyrylcholinesterase (BCHED). Also called: Acholinesterasemia; BCHE, silent 1; Butyrylcholinesterase deficiency; Deficiency of butyrylcholine esterase. Identifiers: Orphanet 132, MedGen C1283400, MONDO:0015270, OMIM 617936.

Allele frequency attached by ClinVar (database versions not stated): gnomAD exomes below 0.00001.
gnomAD v4.1: 2 of 1,613,992 alleles (0.00012%); highest among the groups gnomAD compares: East Asian, 0.0045%; no homozygotes.

Submissions (2):

Women's Health and Genetics/Laboratory Corporation of America, LabCorp
Classification: Pathogenic for Deficiency of butyrylcholinesterase. Last evaluated: 2025-06-12. Review status: criteria provided, single submitter. Criteria: LabCorp Variant Classification Summary - May 2015. Collection method: clinical testing. Allele origin: germline.
Comment: Variant summary: BCHE c.382C>T (p.Pro128Ser) results in a non-conservative amino acid change in the encoded protein sequence. This variant is also referenced as p.Pro100Ser in the literature. Algorithms developed to predict the effect of missense changes on protein structure and function all suggest that this variant is likely to be disruptive. The variant allele was found at a frequency of 4e-06 in 250966 control chromosomes. c.382C>T has been observed in multiple individuals affected with Deficiency Of Butyrylcholine Esterase (e.g., Hidaka_2001). At least one publication reports experimental evidence evaluating an impact on protein function. In homozygous individuals, the BChE activity was very low or undetectable when compared to controls (Hidaka_2001). The following publication has been ascertained in the context of this evaluation (PMID: 11163024). ClinVar contains an entry for this variant (Variation ID: 552544). Based on the evidence outlined above, the variant was classified as pathogenic.

Counsyl
Classification: Likely pathogenic for Deficiency of butyrylcholinesterase. Last evaluated: 2017-06-15. Review status: no assertion criteria provided. Collection method: clinical testing. Allele origin: unknown. Not counted in ClinVar's aggregate classification.

Literature cited by the submitters: PubMed 11163024 (cited by Women's Health and Genetics/Laboratory Corporation of America, LabCorp and Counsyl); PubMed 9058093 (cited by Counsyl); PubMed 9191541 (cited by Counsyl).